The following is an entry in ClinVar:

NM_000143.4(FH):c.491T>G (p.Met164Arg)

Gene: FH (fumarate hydratase; minus strand). Cytogenetic location: 1q43.
Variant type: single nucleotide variant.
Coding change: c.491T>G on transcript NM_000143.4 (MANE Select); coding-DNA position 491, T replaced by G.
Protein change: p.Met164Arg; replaces methionine 164 with arginine.
Molecular consequence: missense variant.
Genome position (GRCh38, 1-based): chr1:241,512,031, A>C on the plus strand (T>G on the coding strand, the complement: FH is on the minus strand). VCF-style: chr1-241512031-A-C. GRCh37 (hg19) VCF-style: chr1-241675331-A-C.
Other names: short protein forms M164R.
Identifiers: ClinVar variation 1995033 (VCV001995033.4), dbSNP rs2527332578, ClinGen allele CA345439985.

ClinVar aggregate classification (germline): Uncertain significance (1 of 4 stars; one submission).

Submission:

Labcorp Genetics (formerly Invitae), Labcorp
Classification: Uncertain significance. Last evaluated: 2023-07-26. Review status: criteria provided, single submitter. Criteria: Invitae Variant Classification Sherloc (09022015). Collection method: clinical testing. Allele origin: germline.
Comment: This variant has not been reported in the literature in individuals affected with FH-related conditions. In summary, the available evidence is currently insufficient to determine the role of this variant in disease. Therefore, it has been classified as a Variant of Uncertain Significance. Advanced modeling of protein sequence and biophysical properties (such as structural, functional, and spatial information, amino acid conservation, physicochemical variation, residue mobility, and thermodynamic stability) has been performed at Invitae for this missense variant, however the output from this modeling did not meet the statistical confidence thresholds required to predict the impact of this variant on FH protein function. ClinVar contains an entry for this variant (Variation ID: 1995033). This variant is not present in population databases (gnomAD no frequency). This sequence change replaces methionine, which is neutral and non-polar, with arginine, which is basic and polar, at codon 164 of the FH protein (p.Met164Arg).